The following is an entry in ClinVar:

NM_006766.5(KAT6A):c.3039+6G>A

Gene: KAT6A (lysine acetyltransferase 6A; minus strand). Cytogenetic location: 8p11.21.
Variant type: single nucleotide variant.
Coding change: c.3039+6G>A on transcript NM_006766.5 (MANE Select); 6 bases into the intron after coding-DNA position 3039, G replaced by A.
Molecular consequence: intron variant.
Genome position (GRCh38, 1-based): chr8:41,940,836, C>T on the plus strand (G>A on the coding strand, the complement: KAT6A is on the minus strand). VCF-style: chr8-41940836-C-T. GRCh37 (hg19) VCF-style: chr8-41798354-C-T.
Identifiers: ClinVar variation 2975602 (VCV002975602.4), dbSNP rs369788781, ClinGen allele CA4729772.

ClinVar aggregate classification (germline): Uncertain significance. Review status: criteria provided, multiple submitters, no conflicts (2 of 4 stars). 2 submissions from 2 submitters: Uncertain significance (2). Last evaluated 2025-05-13.

Allele frequency attached by ClinVar (database versions not stated): gnomAD 0.00003; gnomAD exomes 0.00003; ExAC 0.00004; ESP Exome Variant Server 0.00008.
gnomAD v4.1: 41 of 1,600,986 alleles (0.0026%); highest among the groups gnomAD compares: Non-Finnish European, 0.0032%; no homozygotes.

Submissions (2):

Women's Health and Genetics/Laboratory Corporation of America, LabCorp
Classification: Uncertain significance. Last evaluated: 2025-05-13. Review status: criteria provided, single submitter. Criteria: LabCorp Variant Classification Summary - May 2015. Collection method: clinical testing. Allele origin: germline.
Comment: Variant summary: KAT6A c.3039+6G>A alters a non-conserved nucleotide located close to a canonical splice site and therefore could affect mRNA splicing, leading to a significantly altered protein sequence. Consensus agreement among computation tools predict no significant impact on normal splicing. However, these predictions have yet to be confirmed by functional studies. The variant allele was found at a frequency of 2.5e-05 in 242702 control chromosomes. The available data on variant occurrences in the general population are insufficient to allow any conclusion about variant significance. To our knowledge, no occurrence of c.3039+6G>A in individuals affected with Arboleda-Tham Syndrome and no experimental evidence demonstrating its impact on protein function have been reported. ClinVar contains an entry for this variant (Variation ID: 2975602). Based on the evidence outlined above, the variant was classified as uncertain significance.

Labcorp Genetics (formerly Invitae), Labcorp
Classification: Uncertain significance. Last evaluated: 2024-12-08. Review status: criteria provided, single submitter. Criteria: Invitae Variant Classification Sherloc (09022015). Collection method: clinical testing. Allele origin: germline.
Comment: This sequence change falls in intron 15 of the KAT6A gene. It does not directly change the encoded amino acid sequence of the KAT6A protein. It affects a nucleotide within the consensus splice site. This variant is present in population databases (rs369788781, gnomAD 0.006%). This variant has not been reported in the literature in individuals affected with KAT6A-related conditions. ClinVar contains an entry for this variant (Variation ID: 2975602). Variants that disrupt the consensus splice site are a relatively common cause of aberrant splicing (PMID: 17576681, 9536098). Algorithms developed to predict the effect of sequence changes on RNA splicing suggest that this variant is not likely to affect RNA splicing. In summary, the available evidence is currently insufficient to determine the role of this variant in disease. Therefore, it has been classified as a Variant of Uncertain Significance.

Literature cited by the submitters: PubMed 17576681 (cited by Labcorp Genetics (formerly Invitae), Labcorp); PubMed 9536098 (cited by Labcorp Genetics (formerly Invitae), Labcorp).